The following is an entry in ClinVar:

NM_006904.7(PRKDC):c.4454C>T (p.Ser1485Phe)

Gene: PRKDC (protein kinase, DNA-activated, catalytic subunit; minus strand). Cytogenetic location: 8q11.21.
Variant type: single nucleotide variant.
Coding change: c.4454C>T on transcript NM_006904.7 (MANE Select); coding-DNA position 4454, C replaced by T.
Protein change: p.Ser1485Phe; replaces serine 1485 with phenylalanine.
Molecular consequence: missense variant.
Genome position (GRCh38, 1-based): chr8:47,887,665, G>A on the plus strand (C>T on the coding strand, the complement: PRKDC is on the minus strand). VCF-style: chr8-47887665-G-A. GRCh37 (hg19) VCF-style: chr8-48800226-G-A.
Other names: c.4454C>T, p.Ser1485Phe (NM_001081640.2); short protein forms S1485F.
Identifiers: ClinVar variation 1740724 (VCV001740724.2), dbSNP rs2551873392, ClinGen allele CA371144099.

ClinVar aggregate classification (germline): Uncertain significance (1 of 4 stars; one submission).

gnomAD v4.1: 1 of 1,610,234 alleles (0.000062%); highest among the groups gnomAD compares: South Asian, 0.0011%; no homozygotes.

Submission:

Ambry Genetics
Classification: Uncertain significance. Last evaluated: 2021-09-01. Review status: criteria provided, single submitter. Criteria: Ambry Variant Classification Scheme 2023. Collection method: clinical testing. Allele origin: germline.
Comment: The p.S1485F variant (also known as c.4454C>T), located in coding exon 35 of the PRKDC gene, results from a C to T substitution at nucleotide position 4454. The serine at codon 1485 is replaced by phenylalanine, an amino acid with highly dissimilar properties. This amino acid position is conserved. Since supporting evidence is limited at this time, the clinical significance of this alteration remains unclear.